The following is an entry in ClinVar:

ClinVar aggregate classification (germline): Uncertain significance (1 of 4 stars; one submission).

Submission:

Labcorp Genetics (formerly Invitae), Labcorp
Classification: Uncertain significance. Last evaluated: 2024-01-17. Review status: criteria provided, single submitter. Criteria: Invitae Variant Classification Sherloc (09022015). Collection method: clinical testing. Allele origin: germline.
Comment: This sequence change replaces methionine, which is neutral and non-polar, with leucine, which is neutral and non-polar, at codon 675 of the HIVEP2 protein (p.Met675Leu). This variant is not present in population databases (gnomAD no frequency). This variant has not been reported in the literature in individuals affected with HIVEP2-related conditions. Advanced modeling of protein sequence and biophysical properties (such as structural, functional, and spatial information, amino acid conservation, physicochemical variation, residue mobility, and thermodynamic stability) performed at Invitae indicates that this missense variant is not expected to disrupt HIVEP2 protein function with a negative predictive value of 80%. In summary, the available evidence is currently insufficient to determine the role of this variant in disease. Therefore, it has been classified as a Variant of Uncertain Significance.

NM_006734.4(HIVEP2):c.2023A>T (p.Met675Leu)

Gene: HIVEP2 (HIVEP zinc finger 2; minus strand). Cytogenetic location: 6q24.2.
Variant type: single nucleotide variant.
Coding change: c.2023A>T on transcript NM_006734.4 (MANE Select); coding-DNA position 2023, A replaced by T.
Protein change: p.Met675Leu; replaces methionine 675 with leucine.
Molecular consequence: missense variant.
Genome position (GRCh38, 1-based): chr6:142,772,716, T>A on the plus strand (A>T on the coding strand, the complement: HIVEP2 is on the minus strand). VCF-style: chr6-142772716-T-A. GRCh37 (hg19) VCF-style: chr6-143093853-T-A.
Other names: short protein forms M675L.
Identifiers: ClinVar variation 2709801 (VCV002709801.3), dbSNP rs2482843239, ClinGen allele CA365911578.